The following is an entry in ClinVar:

NM_006118.4(HAX1):c.701G>T (p.Gly234Val)

Gene: HAX1 (HCLS1 associated protein X-1; plus strand). Cytogenetic location: 1q21.3.
Variant type: single nucleotide variant.
Coding change: c.701G>T on transcript NM_006118.4 (MANE Select); coding-DNA position 701, G replaced by T.
Protein change: p.Gly234Val; replaces glycine 234 with valine.
Molecular consequence: missense variant.
Genome position (GRCh38, 1-based): chr1:154,275,430, G>T. VCF-style: chr1-154275430-G-T. GRCh37 (hg19) VCF-style: chr1-154247906-G-T.
Other names: c.557G>T, p.Gly186Val (NM_001018837.2); short protein forms G186V, G234V.
Identifiers: ClinVar variation 4621343 (VCV004621343.1).

ClinVar aggregate classification (germline): Uncertain significance (1 of 4 stars; one submission).

Conditions:
Inborn genetic diseases. Identifiers: MedGen C0950123, MeSH D030342.

Submission:

Ambry Genetics
Classification: Uncertain significance for Inborn genetic diseases. Last evaluated: 2025-12-07. Review status: criteria provided, single submitter. Criteria: Ambry Variant Classification Scheme 2023. Collection method: clinical testing. Allele origin: germline.
Comment: The p.G234V variant (also known as c.701G>T), located in coding exon 6 of the HAX1 gene, results from a G to T substitution at nucleotide position 701. The glycine at codon 234 is replaced by valine, an amino acid with dissimilar properties. This amino acid position is conserved. In addition, this alteration is predicted to be deleterious by in silico analysis. Based on the available evidence, the clinical significance of this variant remains unclear.